The following is an entry in ClinVar:

ClinVar aggregate classification (germline): Uncertain significance. Review status: criteria provided, multiple submitters, no conflicts (2 of 4 stars). 2 submissions from 2 submitters: Uncertain significance (2). Last evaluated 2026-08-20.

Conditions:
SETX-related disorder. Also called: SETX-related condition; SETX-related disorders. Identifiers: MedGen CN239403.
Amyotrophic lateral sclerosis type 4 (ALS4). Also called: NEURONOPATHY, DISTAL HEREDITARY MOTOR, WITH PYRAMIDAL FEATURES; AMYOTROPHIC LATERAL SCLEROSIS 4, JUVENILE. Identifiers: Orphanet 357043, MedGen C1865409, MONDO:0011223, OMIM 602433.
Spinocerebellar ataxia, autosomal recessive, with axonal neuropathy 2 (SCAN2). Also called: Ataxia-ocular apraxia-2; Ataxia with Oculomotor Apraxia; Ataxia with Oculomotor Apraxia Type 2; ATAXIA-OCULOMOTOR APRAXIA 2. Identifiers: Orphanet 64753, MedGen C1853761, MONDO:0018996, OMIM 606002.

Allele frequency attached by ClinVar (database versions not stated): gnomAD exomes below 0.00001; ExAC 0.00001.
gnomAD v4.1: 4 of 1,598,444 alleles (0.00025%); highest among the groups gnomAD compares: Non-Finnish European, 0.00034%; no homozygotes.

Submissions (2):

PreventionGenetics, part of Exact Sciences
Classification: Uncertain significance for SETX-related condition. Last evaluated: 2026-08-20. Review status: criteria provided, single submitter. Criteria: ACMG Guidelines, 2015. Collection method: clinical testing. Allele origin: germline.
Comment: The SETX c.388+8T>G variant is predicted to interfere with splicing. To our knowledge, this variant has not been reported in the literature. This variant is reported in 0.0018% of alleles in individuals of European (non-Finnish) descent in gnomAD. At this time, the clinical significance of this variant is uncertain due to the absence of conclusive functional and genetic evidence.

Labcorp Genetics (formerly Invitae), Labcorp
Classification: Uncertain significance for Amyotrophic lateral sclerosis type 4; Spinocerebellar ataxia, autosomal recessive, with axonal neuropathy 2. Last evaluated: 2023-11-29. Review status: criteria provided, single submitter. Criteria: Invitae Variant Classification Sherloc (09022015). Collection method: clinical testing. Allele origin: germline.
Comment: This sequence change falls in intron 4 of the SETX gene. It does not directly change the encoded amino acid sequence of the SETX protein. This variant is present in population databases (rs781259674, gnomAD 0.002%). This variant has not been reported in the literature in individuals affected with SETX-related conditions. Algorithms developed to predict the effect of sequence changes on RNA splicing suggest that this variant may create or strengthen a splice site. In summary, the available evidence is currently insufficient to determine the role of this variant in disease. Therefore, it has been classified as a Variant of Uncertain Significance.

NM_015046.7(SETX):c.388+8T>G

Gene: SETX (senataxin; minus strand). Cytogenetic location: 9q34.13.
Variant type: single nucleotide variant.
Coding change: c.388+8T>G on transcript NM_015046.7 (MANE Select); 8 bases into the intron after coding-DNA position 388, T replaced by G.
Molecular consequence: intron variant.
Genome position (GRCh38, 1-based): chr9:132,346,253, A>C on the plus strand (T>G on the coding strand, the complement: SETX is on the minus strand). VCF-style: chr9-132346253-A-C. GRCh37 (hg19) VCF-style: chr9-135221640-A-C.
Other names: c.388+8T>G (NM_001351528.2, NM_001351527.2, NM_015046.5).
Identifiers: ClinVar variation 2953208 (VCV002953208.4), dbSNP rs781259674, ClinGen allele CA5298073.